The following is an entry in ClinVar:

ClinVar aggregate classification (germline): Benign. Review status: criteria provided, multiple submitters, no conflicts (2 of 4 stars). 2 submissions from 2 submitters: Benign (2). Last evaluated 2017-09-13.

Allele frequency attached by ClinVar (database versions not stated): ESP Exome Variant Server 0.00231; gnomAD 0.01509 and 0.01661; TOPMed 0.02295; ExAC 0.02849; gnomAD exomes 0.03406; 1000 Genomes Project 30x 0.04201; 1000 Genomes Project 0.04273.
gnomAD v4.1: 17,128 of 1,613,408 alleles (1.1%); highest among the groups gnomAD compares: Admixed American, 14%; 1,076 homozygotes.

Submissions (2):

GeneDx
Classification: Benign. Last evaluated: 2017-09-13. Review status: criteria provided, single submitter. Criteria: GeneDx Variant Classification (06012015). Collection method: clinical testing. Allele origin: germline. Affected: yes.
Comment: This variant is considered likely benign or benign based on one or more of the following criteria: it is a conservative change, it occurs at a poorly conserved position in the protein, it is predicted to be benign by multiple in silico algorithms, and/or has population frequency not consistent with disease.

Breakthrough Genomics
Classification: Benign. Review status: criteria provided, single submitter. Criteria: ACMG Guidelines, 2015. Collection method: not provided. Allele origin: germline. Inheritance: Unknown mechanism. Affected: yes.

NM_001080779.2(MYO1C):c.2785G>A (p.Asp929Asn)

Gene: MYO1C (myosin IC; minus strand). Cytogenetic location: 17p13.3.
Variant type: single nucleotide variant.
Coding change: c.2785G>A on transcript NM_001080779.2 (MANE Select); coding-DNA position 2785, G replaced by A.
Protein change: p.Asp929Asn; replaces aspartic acid 929 with asparagine.
Molecular consequence: missense variant.
Genome position (GRCh38, 1-based): chr17:1,468,099, C>T on the plus strand (G>A on the coding strand, the complement: MYO1C is on the minus strand). VCF-style: chr17-1468099-C-T. GRCh37 (hg19) VCF-style: chr17-1371393-C-T.
Other names: c.2728G>A, p.Asp910Asn (NM_001080950.2); c.2713G>A, p.Asp905Asn (NM_001363855.1); c.2680G>A, p.Asp894Asn (NM_033375.5); short protein forms D894N, D929N, D910N, D905N.
Identifiers: ClinVar variation 517826 (VCV000517826.2), dbSNP rs11538161, ClinGen allele CA8266826.